The following is an entry in ClinVar:

ClinVar aggregate classification (germline): Uncertain significance (1 of 4 stars; one submission).

Conditions:
Gnathodiaphyseal dysplasia (GDD). Also called: GNATHODIAPHYSEAL SCLEROSIS; OSTEOGENESIS IMPERFECTA WITH UNUSUAL SKELETAL LESIONS. Identifiers: Orphanet 53697, MedGen C1833736, MONDO:0008151, OMIM 166260.
Autosomal recessive limb-girdle muscular dystrophy type 2L (LGMDR12). Also called: Limb-girdle muscular dystrophy, type 2L; Limb-Girdle Muscular Dystrophy R12 Anoctamin-5-Related (LGMD-R12); MUSCULAR DYSTROPHY, LIMB-GIRDLE, AUTOSOMAL RECESSIVE 12. Identifiers: Orphanet 206549, MedGen C1969785, MONDO:0012652, OMIM 611307.

Allele frequency attached by ClinVar (database versions not stated): gnomAD exomes below 0.00001; ExAC 0.00001; gnomAD 0.00001; TOPMed 0.00001.
gnomAD v4.1: 2 of 1,613,770 alleles (0.00012%); highest among the groups gnomAD compares: African/African-American, 0.0027%; no homozygotes.

Submission:

Labcorp Genetics (formerly Invitae), Labcorp
Classification: Uncertain significance for Autosomal recessive limb-girdle muscular dystrophy type 2L; Gnathodiaphyseal dysplasia. Last evaluated: 2024-04-20. Review status: criteria provided, single submitter. Criteria: Invitae Variant Classification Sherloc (09022015). Collection method: clinical testing. Allele origin: germline.
Comment: This sequence change replaces glutamic acid, which is acidic and polar, with lysine, which is basic and polar, at codon 553 of the ANO5 protein (p.Glu553Lys). This variant is present in population databases (rs778295156, gnomAD 0.007%). This variant has not been reported in the literature in individuals affected with ANO5-related conditions. ClinVar contains an entry for this variant (Variation ID: 2176678). Advanced modeling of protein sequence and biophysical properties (such as structural, functional, and spatial information, amino acid conservation, physicochemical variation, residue mobility, and thermodynamic stability) performed at Invitae indicates that this missense variant is expected to disrupt ANO5 protein function with a positive predictive value of 95%. In summary, the available evidence is currently insufficient to determine the role of this variant in disease. Therefore, it has been classified as a Variant of Uncertain Significance.

NM_213599.3(ANO5):c.1657G>A (p.Glu553Lys)

Gene: ANO5 (anoctamin 5; plus strand). Cytogenetic location: 11p14.3.
Variant type: single nucleotide variant.
Coding change: c.1657G>A on transcript NM_213599.3 (MANE Select); coding-DNA position 1657, G replaced by A.
Protein change: p.Glu553Lys; replaces glutamic acid 553 with lysine.
Molecular consequence: missense variant.
Genome position (GRCh38, 1-based): chr11:22,262,155, G>A. VCF-style: chr11-22262155-G-A. GRCh37 (hg19) VCF-style: chr11-22283701-G-A.
Other names: c.1654G>A, p.Glu552Lys (NM_001142649.2); c.1615G>A, p.Glu539Lys (NM_001410963.1); c.1612G>A, p.Glu538Lys (NM_001410964.1); short protein forms E552K, E539K, E553K, E538K.
Identifiers: ClinVar variation 2176678 (VCV002176678.4), dbSNP rs778295156, ClinGen allele CA5923317.